The following is an entry in ClinVar:

ClinVar aggregate classification (germline): Pathogenic (1 of 4 stars; one submission).

Conditions:
Bardet-Biedl syndrome (BBS). Identifiers: Orphanet 110, MedGen C0752166, MONDO:0015229.

Submission:

Labcorp Genetics (formerly Invitae), Labcorp
Classification: Pathogenic for Bardet-Biedl syndrome. Last evaluated: 2025-12-01. Review status: criteria provided, single submitter. Criteria: Invitae Variant Classification Sherloc (09022015). Collection method: clinical testing. Allele origin: germline.
Comment: This sequence change creates a premature translational stop signal (p.Arg100*) in the TTC8 gene. It is expected to result in an absent or disrupted protein product. Loss-of-function variants in TTC8 are known to be pathogenic (PMID: 16308660, 16877420, 19797195, 21052717, 30886724). This variant is not present in population databases (gnomAD no frequency). This variant has not been reported in the literature in individuals affected with TTC8-related conditions. For these reasons, this variant has been classified as Pathogenic.

Literature cited by the submitters: PubMed 16308660; PubMed 16877420; PubMed 19797195; PubMed 21052717; PubMed 30886724.

NM_144596.4(TTC8):c.327dup (p.Arg110Ter)

Gene: TTC8 (tetratricopeptide repeat domain 8; plus strand). Cytogenetic location: 14q31.3.
Variant type: Duplication.
Coding change: c.327dup on transcript NM_144596.4 (MANE Select); coding-DNA position 327, one base duplicated (T; older notation c.327dupT).
Protein change: p.Arg110Ter; replaces arginine 110 with a stop codon.
Molecular consequence: nonsense. On other transcripts: 5 prime UTR variant (2), non-coding transcript variant (1).
Genome position (GRCh38, 1-based): chr14:88,840,926, T duplicated; the last of 2 consecutive T bases (chr14:88,840,925-88,840,926); duplicating either gives the same sequence. VCF-style (leftmost placement, unchanged base first): chr14-88840924-G-GT. GRCh37 (hg19) VCF-style: chr14-89307268-G-GT.
Other names: c.297dup, p.Arg100Ter (NM_001288781.1, NM_001366535.2, NM_001366536.2 and 2 more transcripts); c.-266dup (NM_001288782.1); c.-361dup (NM_001288783.1); short protein forms R100*, R110*.
Identifiers: ClinVar variation 4808130 (VCV004808130.1).